The following is an entry in ClinVar:

NM_000088.4(COL1A1):c.1573G>A (p.Glu525Lys)

Gene: COL1A1 (collagen type I alpha 1 chain; minus strand). Cytogenetic location: 17q21.33.
Variant type: single nucleotide variant.
Coding change: c.1573G>A on transcript NM_000088.4 (MANE Select); coding-DNA position 1573, G replaced by A.
Protein change: p.Glu525Lys; replaces glutamic acid 525 with lysine.
Molecular consequence: missense variant.
Genome position (GRCh38, 1-based): chr17:50,194,390, C>T on the plus strand (G>A on the coding strand, the complement: COL1A1 is on the minus strand). VCF-style: chr17-50194390-C-T. GRCh37 (hg19) VCF-style: chr17-48271751-C-T.
Other names: short protein forms E525K.
Identifiers: ClinVar variation 4535511 (VCV004535511.1).
Genomic context (GRCh38, chr17:50,194,390, plus strand): 5'-TGAAAGCCTGGGGCCTCACCTTGGCACCAGGCAGACCAGCTTCACCGGGACGACCAGCTT[C>T]ACCAGGAGATCCTTTGGGGCCAGCAGGGCCAGGAGAACCACGTTCACCAGCGGGACCCTG-3'
Protein context (NP_000079.2, residues 515-535): GPAGPKGSPG[Glu525Lys]AGRPGEAGLP

ClinVar aggregate classification (germline): Uncertain significance (1 of 4 stars; one submission).

Submission:

Women's Health and Genetics/Laboratory Corporation of America, LabCorp
Classification: Uncertain significance. Last evaluated: 2025-09-15. Review status: criteria provided, single submitter. Criteria: LabCorp Variant Classification Summary - May 2015. Collection method: clinical testing. Allele origin: germline.
Comment: Variant summary: COL1A1 c.1573G>A (p.Glu525Lys) results in a conservative amino acid change in the encoded protein sequence. Algorithms developed to predict the effect of missense changes on protein structure and function are either unavailable or do not agree on the potential impact of this missense change. The variant was absent in 251358 control chromosomes. The available data on variant occurrences in the general population are insufficient to allow any conclusion about variant significance. To our knowledge, no occurrence of c.1573G>A in individuals affected with COL1A1-related conditions and no experimental evidence demonstrating its impact on protein function have been reported. No submitters have cited clinical-significance assessments for this variant to ClinVar. Based on the evidence outlined above, the variant was classified as uncertain significance.